The following is an entry in ClinVar:

NM_015656.2(KIF26A):c.1745C>T (p.Ala582Val)

Gene: KIF26A (kinesin family member 26A; plus strand). Cytogenetic location: 14q32.33.
Variant type: single nucleotide variant.
Coding change: c.1745C>T on transcript NM_015656.2 (MANE Select); coding-DNA position 1745, C replaced by T.
Protein change: p.Ala582Val; replaces alanine 582 with valine.
Molecular consequence: missense variant.
Genome position (GRCh38, 1-based): chr14:104,173,391, C>T. VCF-style: chr14-104173391-C-T. GRCh37 (hg19) VCF-style: chr14-104639728-C-T.
Other names: short protein forms A582V.
Identifiers: ClinVar variation 4687508 (VCV004687508.1).
Genomic context (GRCh38, chr14:104,173,391, plus strand): 5'-TCCAGAACCAAAGCGAGCTGCGGGCACCCACGGCCGAGAAGGCGGCTTTCTACCTGGATG[C>T]GGCCCTGGCGGCCCGCAGCACCAGCCGAGCGGGCTGTGGCGAGGACGCCCGACGCAGCTC-3'
Protein context (NP_056471.1, residues 572-592): TAEKAAFYLD[Ala582Val]ALAARSTSRA

ClinVar aggregate classification (germline): Uncertain significance (1 of 4 stars; one submission).

gnomAD v4.1: 69 of 1,582,546 alleles (0.0044%); highest among the groups gnomAD compares: African/African-American, 0.059%; no homozygotes.

Submission:

Women's Health and Genetics/Laboratory Corporation of America, LabCorp
Classification: Uncertain significance. Last evaluated: 2025-10-07. Review status: criteria provided, single submitter. Criteria: LabCorp Variant Classification Summary - May 2015. Collection method: clinical testing. Allele origin: germline.
Comment: Variant summary: KIF26A c.1745C>T (p.Ala582Val) results in a non-conservative amino acid change located in the Kinesin motor domain (IPR001752) of the encoded protein sequence. Algorithms developed to predict the effect of missense changes on protein structure and function are either unavailable or do not agree on the potential impact of this missense change. The variant allele was found at a frequency of 7.6e-05 in 184820 control chromosomes. This frequency is not significantly higher than estimated for disease-causing variants in KIF26A, allowing no conclusion about variant significance. To our knowledge, no occurrence of c.1745C>T in individuals affected with KIF26A-related conditions and no experimental evidence demonstrating its impact on protein function have been reported. No submitters have cited clinical-significance assessments for this variant to ClinVar. Based on the evidence outlined above, the variant was classified as uncertain significance.